The following is an entry in ClinVar:

NM_001018005.2(TPM1):c.678G>C (p.Lys226Asn)

Gene: TPM1 (tropomyosin 1; plus strand). Cytogenetic location: 15q22.2.
Variant type: single nucleotide variant.
Coding change: c.678G>C on transcript NM_001018005.2 (MANE Select); coding-DNA position 678, G replaced by C.
Protein change: p.Lys226Asn; replaces lysine 226 with asparagine.
Molecular consequence: missense variant.
Genome position (GRCh38, 1-based): chr15:63,062,253, G>C. VCF-style: chr15-63062253-G-C. GRCh37 (hg19) VCF-style: chr15-63354452-G-C.
Other names: c.678G>C, p.Lys226Asn (NM_000366.6, NM_001018004.2, NM_001018006.2 and 6 more transcripts); c.570G>C, p.Lys190Asn (NM_001018008.2, NM_001301289.2, NM_001330344.2 and 5 more transcripts); c.804G>C, p.Lys268Asn (NM_001365778.1); short protein forms K190N, K226N, K268N.
Identifiers: ClinVar variation 931982 (VCV000931982.3), dbSNP rs1343107860, ClinGen allele CA392724470.

ClinVar aggregate classification (germline): Uncertain significance (1 of 4 stars; one submission).

Conditions:
Dilated cardiomyopathy 1Y (CMD1Y). Identifiers: Orphanet 154, Orphanet 54260, MedGen C2678476, MONDO:0012744, OMIM 611878.

Submission:

Centre for Mendelian Genomics, University Medical Centre Ljubljana
Classification: Uncertain significance for Dilated cardiomyopathy 1Y. Last evaluated: 2016-01-01. Review status: criteria provided, single submitter. Criteria: ACMG Guidelines, 2015. Collection method: clinical testing. Allele origin: unknown. Affected: yes.
Comment: This variant was classified as: Uncertain significance. The following ACMG criteria were applied in classifying this variant: PP3,PP2,PM2.